The following is an entry in ClinVar:

NM_004817.4(TJP2):c.3068C>T (p.Ala1023Val)

Gene: TJP2 (tight junction protein 2; plus strand). Cytogenetic location: 9q21.11.
Variant type: single nucleotide variant.
Coding change: c.3068C>T on transcript NM_004817.4 (MANE Select); coding-DNA position 3068, C replaced by T.
Protein change: p.Ala1023Val; replaces alanine 1023 with valine.
Molecular consequence: missense variant. On other transcripts: intron variant (3).
Genome position (GRCh38, 1-based): chr9:69,251,111, C>T. VCF-style: chr9-69251111-C-T. GRCh37 (hg19) VCF-style: chr9-71866027-C-T.
Other names: c.2969C>T, p.Ala990Val (NM_001170415.1); c.3161C>T, p.Ala1054Val (NM_001170416.2); c.2993C>T, p.Ala998Val (NM_001369870.1); c.2999C>T, p.Ala1000Val (NM_001369871.1); c.2957C>T, p.Ala986Val (NM_001369872.1); c.2744C>T, p.Ala915Val (NM_001369873.1); c.3080C>T, p.Ala1027Val (NM_001369875.1); c.2812-1704C>T (NM_001170414.2); and 3 more; short protein forms A1023V, A1054V, A915V, A1027V, A986V, A998V, A1000V, A990V.
Identifiers: ClinVar variation 281732 (VCV000281732.18), dbSNP rs199767035, ClinGen allele CA5073877.

ClinVar aggregate classification (germline): Conflicting classifications of pathogenicity. Review status: criteria provided, conflicting classifications (1 of 4 stars). 5 submissions from 5 submitters: Uncertain significance (4); Likely benign (1). Last evaluated 2026-05-12.

Conditions:
TJP2-related disorder. Also called: TJP2-related condition.
Cholestasis, progressive familial intrahepatic, 4. Identifiers: Orphanet 480483, Orphanet 79304, MedGen C2931067, MONDO:0014381, OMIM 615878.

Allele frequency attached by ClinVar (database versions not stated): ESP Exome Variant Server 0.00015; TOPMed 0.00020; gnomAD exomes 0.00029; ExAC 0.00030.
gnomAD v4.1: 437 of 1,614,040 alleles (0.027%); highest among the groups gnomAD compares: Admixed American, 0.075%; 1 homozygote.

Submissions (5):

PreventionGenetics, part of Exact Sciences
Classification: Uncertain significance for TJP2-related condition. Last evaluated: 2026-05-12. Review status: criteria provided, single submitter. Criteria: ACMG Guidelines, 2015. Collection method: clinical testing. Allele origin: germline.
Comment: The TJP2 c.3068C>T variant is predicted to result in the amino acid substitution p.Ala1023Val. To our knowledge, this variant has not been reported in the literature in individuals with TJP2-related disorders. This variant is reported in 0.10% of alleles in individuals of Latino descent in gnomAD. Although we suspect that this variant may be benign, at this time, the clinical significance of this variant is uncertain due to the absence of conclusive functional and genetic evidence.

Labcorp Genetics (formerly Invitae), Labcorp
Classification: Likely benign. Last evaluated: 2021-11-17. Review status: criteria provided, single submitter. Criteria: Invitae Variant Classification Sherloc (09022015). Collection method: clinical testing. Allele origin: germline.

GeneDx
Classification: Uncertain significance. Last evaluated: 2020-06-15. Review status: criteria provided, single submitter. Criteria: GeneDx Variant Classification Process June 2021. Collection method: clinical testing. Allele origin: germline. Affected: yes.
Comment: In silico analysis supports that this missense variant does not alter protein structure/function; Has not been previously published as pathogenic or benign to our knowledge

Baylor Genetics
Classification: Uncertain significance for Cholestasis, progressive familial intrahepatic, 4. Last evaluated: 2018-02-22. Review status: criteria provided, single submitter. Criteria: ACMG Guidelines, 2015. Collection method: clinical testing. Allele origin: unknown. Affected: yes.
Comment: This variant was determined to be of uncertain significance according to ACMG Guidelines, 2015 [PMID:25741868].

Eurofins Ntd Llc (ga)
Classification: Uncertain significance. Last evaluated: 2017-08-23. Review status: criteria provided, single submitter. Criteria: EGL Classification Definitions 2015. Collection method: clinical testing. Allele origin: germline. Observed: 8 variant alleles, 8 heterozygotes.